The following is an entry in ClinVar:

ClinVar aggregate classification (germline): Uncertain significance (1 of 4 stars; one submission).

Submission:

GeneDx
Classification: Uncertain significance. Last evaluated: 2026-03-26. Review status: criteria provided, single submitter. Criteria: GeneDx Variant Classification Process June 2021. Collection method: clinical testing. Allele origin: germline.
Comment: Not observed at significant frequency in large population cohorts (gnomAD); In silico analysis suggests that this missense variant does not alter protein structure/function; Has not been previously published as pathogenic or benign to our knowledge

NM_001394998.1(TANC2):c.977C>G (p.Ser326Cys)

Gene: TANC2 (tetratricopeptide repeat, ankyrin repeat and coiled-coil containing 2; plus strand). Cytogenetic location: 17q23.3.
Variant type: single nucleotide variant.
Coding change: c.977C>G on transcript NM_001394998.1 (MANE Select); coding-DNA position 977, C replaced by G.
Protein change: p.Ser326Cys; replaces serine 326 with cysteine.
Molecular consequence: missense variant.
Genome position (GRCh38, 1-based): chr17:63,238,021, C>G. VCF-style: chr17-63238021-C-G. GRCh37 (hg19) VCF-style: chr17-61315382-C-G.
Other names: c.755C>G, p.Ser252Cys (NM_001411076.1, NM_025185.4); short protein forms S252C, S326C.
Identifiers: ClinVar variation 5016996 (VCV005016996.1).